The following is an entry in ClinVar:

NM_012210.4(TRIM32):c.1510G>T (p.Val504Leu)

Genes: ASTN2 (astrotactin 2; minus strand), TRIM32 (tripartite motif containing 32; plus strand). Cytogenetic location: 9q33.1.
Variant type: single nucleotide variant.
Coding change: c.1510G>T on transcript NM_012210.4 (MANE Select); coding-DNA position 1510, G replaced by T.
Protein change: p.Val504Leu; replaces valine 504 with leucine.
Molecular consequence: missense variant. On other transcripts: intron variant (3).
Genome position (GRCh38, 1-based): chr9:116,699,252, G>T. VCF-style: chr9-116699252-G-T. GRCh37 (hg19) VCF-style: chr9-119461531-G-T.
Other names: c.1510G>T, p.Val504Leu (NM_001099679.2, NM_001379048.1, NM_001379049.1 and 1 more transcripts); c.2653+26519C>A (NM_014010.5); c.2794+26519C>A (NM_001365069.1); c.2806+26519C>A (NM_001365068.1); short protein forms V504L.
Identifiers: ClinVar variation 1432537 (VCV001432537.8), dbSNP rs1165772522, ClinGen allele CA374651840.

ClinVar aggregate classification (germline): Uncertain significance (1 of 4 stars; one submission).

Conditions:
Bardet-Biedl syndrome (BBS). Identifiers: Orphanet 110, MedGen C0752166, MONDO:0015229.

gnomAD v4.1: 1 of 1,614,246 alleles (0.000062%); highest among the groups gnomAD compares: South Asian, 0.0011%; no homozygotes.

Submission:

Labcorp Genetics (formerly Invitae), Labcorp
Classification: Uncertain significance for Bardet-Biedl syndrome. Last evaluated: 2021-06-12. Review status: criteria provided, single submitter. Criteria: Invitae Variant Classification Sherloc (09022015). Collection method: clinical testing. Allele origin: germline.
Comment: This sequence change replaces valine with leucine at codon 504 of the TRIM32 protein (p.Val504Leu). The valine residue is highly conserved and there is a small physicochemical difference between valine and leucine. This variant is not present in population databases (ExAC no frequency). This variant has not been reported in the literature in individuals with TRIM32-related conditions. Algorithms developed to predict the effect of missense changes on protein structure and function are either unavailable or do not agree on the potential impact of this missense change (SIFT: "Deleterious"; PolyPhen-2: "Benign"; Align-GVGD: "Class C25"). Algorithms developed to predict the effect of sequence changes on RNA splicing suggest that this variant may create or strengthen a splice site, but this prediction has not been confirmed by published transcriptional studies. In summary, the available evidence is currently insufficient to determine the role of this variant in disease. Therefore, it has been classified as a Variant of Uncertain Significance.